The following is an entry in ClinVar:

NM_201384.3(PLEC):c.13144G>A (p.Glu4382Lys)

Gene: PLEC (plectin; minus strand). Cytogenetic location: 8q24.3.
Variant type: single nucleotide variant.
Coding change: c.13144G>A on transcript NM_201384.3 (MANE Select); coding-DNA position 13144, G replaced by A.
Protein change: p.Glu4382Lys; replaces glutamic acid 4382 with lysine.
Molecular consequence: missense variant.
Genome position (GRCh38, 1-based): chr8:143,916,677, C>T on the plus strand (G>A on the coding strand, the complement: PLEC is on the minus strand). VCF-style: chr8-143916677-C-T. GRCh37 (hg19) VCF-style: chr8-144990845-C-T.
Other names: c.13225G>A, p.Glu4409Lys (NM_000445.5); c.13555G>A, p.Glu4519Lys (NM_201380.4); c.13048G>A, p.Glu4350Lys (NM_201381.3); c.13144G>A, p.Glu4382Lys (NM_201382.4); c.13156G>A, p.Glu4386Lys (NM_201383.3); c.9844G>A, p.Glu3282Lys (NM_001410941.1); c.13102G>A, p.Glu4368Lys (NM_201378.4); c.13078G>A, p.Glu4360Lys (NM_201379.3); short protein forms E3282K, E4368K, E4409K, E4382K, E4519K, E4386K, E4350K, E4360K.
Identifiers: ClinVar variation 2190775 (VCV002190775.4), dbSNP rs1766002976, ClinGen allele CA372476382.

ClinVar aggregate classification (germline): Uncertain significance (1 of 4 stars; one submission).

Conditions:
Epidermolysis bullosa simplex with nail dystrophy (EBS5D). Identifiers: MedGen C4225309, MONDO:0014661, OMIM 616487.
Epidermolysis bullosa simplex 5B, with muscular dystrophy (EBS5B). Also called: EPIDERMOLYSIS BULLOSA SIMPLEX AND LIMB-GIRDLE MUSCULAR DYSTROPHY; Epidermolysis bullosa simplex with muscular dystrophy. Identifiers: Orphanet 257, MedGen C2931072, MONDO:0009181, OMIM 226670.
Epidermolysis bullosa simplex, Ogna type (EBS5A). Also called: Pidermolysis bullosa simplex 5A, Ogna type; EPIDERMOLYSIS BULLOSA SIMPLEX 5A, OGNA TYPE. Identifiers: Orphanet 79401, MedGen C0432317, MONDO:0007555, OMIM 131950.
Epidermolysis bullosa simplex 5C, with pyloric atresia (EBS5C). Also called: Epidermolysis bullosa simplex with pyloric atresia; PLEC-Related Epidermolysis Bullosa with Pyloric Atresia; PLEC1-Related Epidermolysis Bullosa with Pyloric Atresia. Identifiers: Orphanet 158684, MedGen C2677349, MONDO:0012807, OMIM 612138.
Autosomal recessive limb-girdle muscular dystrophy type 2Q (LGMDR17). Also called: MUSCULAR DYSTROPHY, LIMB-GIRDLE, AUTOSOMAL RECESSIVE 17. Identifiers: Orphanet 254361, MedGen C3150989, MONDO:0013390, OMIM 613723.

Allele frequency attached by ClinVar (database versions not stated): gnomAD exomes below 0.00001; TOPMed below 0.00001.
gnomAD v4.1: 1 of 1,611,824 alleles (0.000062%); highest among the groups gnomAD compares: Non-Finnish European, 0.000085%; no homozygotes.

Submission:

Labcorp Genetics (formerly Invitae), Labcorp
Classification: Uncertain significance for Autosomal recessive limb-girdle muscular dystrophy type 2Q; Epidermolysis bullosa simplex, Ogna type; Epidermolysis bullosa simplex with nail dystrophy; Epidermolysis bullosa simplex 5C, with pyloric atresia; Epidermolysis bullosa simplex 5B, with muscular dystrophy. Last evaluated: 2022-04-12. Review status: criteria provided, single submitter. Criteria: Invitae Variant Classification Sherloc (09022015). Collection method: clinical testing. Allele origin: germline.
Comment: This variant has not been reported in the literature in individuals affected with PLEC-related conditions. In summary, the available evidence is currently insufficient to determine the role of this variant in disease. Therefore, it has been classified as a Variant of Uncertain Significance. Algorithms developed to predict the effect of missense changes on protein structure and function (SIFT, PolyPhen-2, Align-GVGD) all suggest that this variant is likely to be disruptive. This variant is not present in population databases (gnomAD no frequency). This sequence change replaces glutamic acid, which is acidic and polar, with lysine, which is basic and polar, at codon 4409 of the PLEC protein (p.Glu4409Lys).